The following is an entry in ClinVar:

ClinVar aggregate classification (germline): Pathogenic. Review status: criteria provided, single submitter (1 of 4 stars). 2 submissions from 2 submitters: Pathogenic (1). 1 of the submissions does not count toward it. Last evaluated 2026-01-14.

Conditions:
Cohen syndrome (COH1). Also called: PEPPER SYNDROME; Cutis verticis gyrata, retinitis pigmentosa, and sensorineural deafness. Identifiers: Orphanet 193, MedGen C0265223, MONDO:0008999, OMIM 216550.

Submissions (2):

Myriad Genetics, Inc.
Classification: Pathogenic for Cohen syndrome. Last evaluated: 2026-01-14. Review status: criteria provided, single submitter. Criteria: Myriad Autosomal Dominant, Autosomal Recessive and X-Linked Classification Criteria (2023). Collection method: clinical testing. Allele origin: unknown.
Comment: NM_017890.4(VPS13B):c.3618T>A(C1206*) is a nonsense variant classified as pathogenic in the context of Cohen syndrome. C1206* has been observed in a case with relevant disease (PMID: 15154116). Relevant functional assessments of this variant are not available in the literature. C1206* has not been observed in referenced population frequency databases. In summary, NM_017890.4(VPS13B):c.3618T>A(C1206*) is a nonsense variant in a gene where loss of function is a known mechanism of disease, is predicted to disrupt protein function, and has been observed more frequently in cases with the relevant disease than in healthy populations. Please note: this variant was assessed in the context of healthy population screening.

Juha Muilu Group; Institute for Molecular Medicine Finland (FIMM)
Classification: Likely pathogenic for Cohen syndrome. Review status: no assertion criteria provided. Collection method: not provided. Allele origin: unknown. Not counted in ClinVar's aggregate classification.
Comment: FinDis database variant: This variant was not found or characterized by our laboratory, data were collected from public sources: see reference
ClinVar note: Converted during submission from probable-pathogenic to Likely pathogenic.

Literature cited by the submitters: PubMed 15154116 (cited by Myriad Genetics, Inc.).

NM_152564.5(VPS13B):c.3618T>A (p.Cys1206Ter)

Gene: VPS13B (vacuolar protein sorting 13 homolog B; plus strand). Cytogenetic location: 8q22.2.
Variant type: single nucleotide variant.
Coding change: c.3618T>A on transcript NM_152564.5 (MANE Select); coding-DNA position 3618, T replaced by A.
Protein change: p.Cys1206Ter; replaces cysteine 1206 with a stop codon.
Molecular consequence: nonsense.
Genome position (GRCh38, 1-based): chr8:99,467,586, T>A. VCF-style: chr8-99467586-T-A. GRCh37 (hg19) VCF-style: chr8-100479814-T-A.
Other names: c.3618T>A, p.Cys1206Ter (NM_017890.5); short protein forms C1206*.
Identifiers: ClinVar variation 56659 (VCV000056659.3), dbSNP rs386834081, ClinGen allele CA264065.